The following is an entry in ClinVar:

ClinVar aggregate classification (germline): Uncertain significance (1 of 4 stars; one submission).

Conditions:
Cardiovascular phenotype. Identifiers: MedGen CN230736.

gnomAD v4.1: 3 of 1,552,678 alleles (0.00019%); highest among the groups gnomAD compares: Non-Finnish European, 0.00026%; no homozygotes.

Submission:

Ambry Genetics
Classification: Uncertain significance for Cardiovascular phenotype. Last evaluated: 2024-04-28. Review status: criteria provided, single submitter. Criteria: Ambry Variant Classification Scheme 2023. Collection method: clinical testing. Allele origin: germline.
Comment: The p.D39H variant (also known as c.115G>C), located in coding exon 2 of the GPIHBP1 gene, results from a G to C substitution at nucleotide position 115. The aspartic acid at codon 39 is replaced by histidine, an amino acid with similar properties. This amino acid position is conserved. In addition, this alteration is predicted to be tolerated by in silico analysis. Based on the available evidence, the clinical significance of this variant remains unclear.

NM_178172.6(GPIHBP1):c.115G>C (p.Asp39His)

Gene: GPIHBP1 (glycosylphosphatidylinositol anchored high density lipoprotein binding protein 1; plus strand). Cytogenetic location: 8q24.3.
Variant type: single nucleotide variant.
Coding change: c.115G>C on transcript NM_178172.6 (MANE Select); coding-DNA position 115, G replaced by C.
Protein change: p.Asp39His; replaces aspartic acid 39 with histidine.
Molecular consequence: missense variant.
Genome position (GRCh38, 1-based): chr8:143,213,884, G>C. VCF-style: chr8-143213884-G-C. GRCh37 (hg19) VCF-style: chr8-144295759-G-C.
Other names: c.115G>C, p.Asp39His (NM_001301772.2); short protein forms D39H.
Identifiers: ClinVar variation 3282157 (VCV003282157.1).